The following is an entry in ClinVar:

NM_022773.4(LMF1):c.857G>A (p.Arg286Gln)

Gene: LMF1 (lipase maturation factor 1; minus strand). Cytogenetic location: 16p13.3.
Variant type: single nucleotide variant.
Coding change: c.857G>A on transcript NM_022773.4 (MANE Select); coding-DNA position 857, G replaced by A.
Protein change: p.Arg286Gln; replaces arginine 286 with glutamine.
Molecular consequence: missense variant. On other transcripts: non-coding transcript variant (1).
Genome position (GRCh38, 1-based): chr16:879,610, C>T on the plus strand (G>A on the coding strand, the complement: LMF1 is on the minus strand). VCF-style: chr16-879610-C-T. GRCh37 (hg19) VCF-style: chr16-929610-C-T.
Other names: c.206G>A, p.Arg69Gln (NM_001352017.2, NM_001352021.2); c.458G>A, p.Arg153Gln (NM_001352018.2); c.530G>A, p.Arg177Gln (NM_001352019.2); c.857G>A, p.Arg286Gln (NM_001352020.1); short protein forms R153Q, R286Q, R69Q, R177Q.
Identifiers: ClinVar variation 1763914 (VCV001763914.10), dbSNP rs370484104, ClinGen allele CA7797340.

ClinVar aggregate classification (germline): Uncertain significance. Review status: criteria provided, multiple submitters, no conflicts (2 of 4 stars). 3 submissions from 3 submitters: Uncertain significance (3). Last evaluated 2025-10-31.

Conditions:
Cardiovascular phenotype. Identifiers: MedGen CN230736.
LMF1-related disorder. Also called: LMF1-related condition.

Allele frequency attached by ClinVar (database versions not stated): gnomAD 0.00002; gnomAD exomes 0.00002; ExAC 0.00003; TOPMed 0.00004; ESP Exome Variant Server 0.00008.

Submissions (4):

PreventionGenetics, part of Exact Sciences
Classification: Uncertain significance for LMF1-related condition. Last evaluated: 2025-10-31. Review status: criteria provided, single submitter. Criteria: ACMG Guidelines, 2015. Collection method: clinical testing. Allele origin: germline.
Comment: The LMF1 c.857G>A variant is predicted to result in the amino acid substitution p.Arg286Gln. To our knowledge, this variant has not been reported in the literature. This variant is reported in 0.0098% of alleles in individuals of South Asian descent in gnomAD. At this time, the clinical significance of this variant is uncertain due to the absence of conclusive functional and genetic evidence.

Ambry Genetics
Classification: Uncertain significance for Cardiovascular phenotype. Last evaluated: 2024-10-27. Review status: criteria provided, single submitter. Criteria: Ambry Variant Classification Scheme 2023. Collection method: clinical testing. Allele origin: germline.
Comment: The p.R286Q variant (also known as c.857G>A), located in coding exon 6 of the LMF1 gene, results from a G to A substitution at nucleotide position 857. The arginine at codon 286 is replaced by glutamine, an amino acid with highly similar properties. This amino acid position is conserved. In addition, this alteration is predicted to be tolerated by in silico analysis. Since supporting evidence is limited at this time, the clinical significance of this alteration remains unclear.

Labcorp Genetics (formerly Invitae), Labcorp
Classification: Uncertain significance. Last evaluated: 2022-03-19. Review status: criteria provided, single submitter. Criteria: Invitae Variant Classification Sherloc (09022015). Collection method: clinical testing. Allele origin: germline.
Comment: In summary, the available evidence is currently insufficient to determine the role of this variant in disease. Therefore, it has been classified as a Variant of Uncertain Significance. Algorithms developed to predict the effect of missense changes on protein structure and function output the following: SIFT: "Tolerated"; PolyPhen-2: "Benign"; Align-GVGD: "Class C0". The glutamine amino acid residue is found in multiple mammalian species, which suggests that this missense change does not adversely affect protein function. This variant has not been reported in the literature in individuals affected with LMF1-related conditions. This variant is present in population databases (rs370484104, gnomAD 0.01%). This sequence change replaces arginine, which is basic and polar, with glutamine, which is neutral and polar, at codon 286 of the LMF1 protein (p.Arg286Gln).

Dr. Peter K. Rogan Lab, Western University
No classification provided (evidence only). Condition: Thyroid cancer, nonmedullary, 1. Review status: no classification provided. Collection method: in vitro. Allele origin: not applicable. Functional consequence: retained intron. Not counted in ClinVar's aggregate classification.